The following is an entry in ClinVar:

NM_000287.4(PEX6):c.953C>G (p.Ala318Gly)

Gene: PEX6 (peroxisomal biogenesis factor 6; minus strand). Cytogenetic location: 6p21.1.
Variant type: single nucleotide variant.
Coding change: c.953C>G on transcript NM_000287.4 (MANE Select); coding-DNA position 953, C replaced by G.
Protein change: p.Ala318Gly; replaces alanine 318 with glycine.
Molecular consequence: missense variant. On other transcripts: non-coding transcript variant (1).
Genome position (GRCh38, 1-based): chr6:42,974,968, G>C on the plus strand (C>G on the coding strand, the complement: PEX6 is on the minus strand). VCF-style: chr6-42974968-G-C. GRCh37 (hg19) VCF-style: chr6-42942706-G-C.
Other names: c.689C>G, p.Ala230Gly (NM_001316313.2); short protein forms A230G, A318G.
Identifiers: ClinVar variation 1058463 (VCV001058463.6), dbSNP rs200600289, ClinGen allele CA364159932.

ClinVar aggregate classification (germline): Uncertain significance (1 of 4 stars; one submission).

Conditions:
Peroxisome biogenesis disorder. Identifiers: Orphanet 79189, MedGen C1832200, MONDO:0019234. Disease mechanism: loss of function.

Allele frequency attached by ClinVar (database versions not stated): gnomAD exomes below 0.00001.
gnomAD v4.1: 1 of 1,613,712 alleles (0.000062%); highest among the groups gnomAD compares: Non-Finnish European, 0.000085%; no homozygotes.

Submission:

Labcorp Genetics (formerly Invitae), Labcorp
Classification: Uncertain significance for Peroxisome biogenesis disorder. Last evaluated: 2021-08-28. Review status: criteria provided, single submitter. Criteria: Invitae Variant Classification Sherloc (09022015). Collection method: clinical testing. Allele origin: germline.
Comment: This sequence change replaces alanine with glycine at codon 318 of the PEX6 protein (p.Ala318Gly). The alanine residue is highly conserved and there is a small physicochemical difference between alanine and glycine. This variant is not present in population databases (ExAC no frequency). This variant has not been reported in the literature in individuals affected with PEX6-related conditions. Algorithms developed to predict the effect of missense changes on protein structure and function are either unavailable or do not agree on the potential impact of this missense change (SIFT: "Deleterious"; PolyPhen-2: "Possibly Damaging"; Align-GVGD: "Class C0"). In summary, the available evidence is currently insufficient to determine the role of this variant in disease. Therefore, it has been classified as a Variant of Uncertain Significance.